The following is an entry in ClinVar:

NM_014780.5(CUL7):c.2439A>G (p.Gln813=)

Gene: CUL7 (cullin 7; minus strand). Cytogenetic location: 6p21.1.
Variant type: single nucleotide variant.
Coding change: c.2439A>G on transcript NM_014780.5 (MANE Select); coding-DNA position 2439, A replaced by G.
Protein change: p.Gln813=; no amino-acid change (glutamine 813 retained).
Molecular consequence: synonymous variant.
Genome position (GRCh38, 1-based): chr6:43,046,560, T>C on the plus strand (A>G on the coding strand, the complement: CUL7 is on the minus strand). VCF-style: chr6-43046560-T-C. GRCh37 (hg19) VCF-style: chr6-43014298-T-C.
Other names: c.2535A>G, p.Gln845= (NM_001168370.2, NM_001374872.1); c.2439A>G, p.Gln813= (NM_001374873.1, NM_001374874.1).
Identifiers: ClinVar variation 260437 (VCV000260437.20), dbSNP rs9394939, ClinGen allele CA3813849.
Genomic context (GRCh38, chr6:43,046,560, plus strand): 5'-CAGGCACGAACCCTGGCACAGGTATCTGAGGAACACATCAAAGAAAGGGATGTTGATGGG[T>C]TGGTGGGTTCGTCTGTGGTCTTCGATCTGGCCCAGCACCATCTGCAGCCAGAACATCAGA-3'
Protein context (NP_055595.2, residues 803-823): GQIEDHRRTH[Gln813=]PINIPFFDVF

ClinVar aggregate classification (germline): Benign. Review status: criteria provided, multiple submitters, no conflicts (2 of 4 stars). 8 submissions from 8 submitters: Benign (6). 2 of the submissions do not count toward it. Last evaluated 2025-12-17.

Conditions:
3M syndrome 1. Also called: 3-M Syndrome, CUL7-Related. Identifiers: Orphanet 2616, MedGen C2678312, MONDO:0010117, OMIM 273750.

Allele frequency attached by ClinVar (database versions not stated): gnomAD exomes 0.97109 and 0.97625; ExAC 0.97661; ESP Exome Variant Server 0.97686; TOPMed 0.97814; gnomAD 0.97892 and 0.97908; 1000 Genomes Project 30x 0.98985; 1000 Genomes Project 0.99022.
gnomAD v4.1: 1,568,533 of 1,614,046 alleles (97%); highest among the groups gnomAD compares: East Asian, 100%; 762,366 homozygotes.

Submissions (8):

Labcorp Genetics (formerly Invitae), Labcorp
Classification: Benign. Last evaluated: 2025-12-17. Review status: criteria provided, single submitter. Criteria: Invitae Variant Classification Sherloc (09022015). Collection method: clinical testing. Allele origin: germline.

Blueprint Genetics
Classification: Benign. Last evaluated: 2024-11-27. Review status: criteria provided, single submitter. Criteria: ACMG Guidelines, 2015. Collection method: clinical testing. Allele origin: germline.

Genome-Nilou Lab
Classification: Benign for 3M syndrome 1. Last evaluated: 2021-07-30. Review status: criteria provided, single submitter. Criteria: ACMG Guidelines, 2015. Collection method: clinical testing. Allele origin: germline. Affected: no.

GeneDx
Classification: Benign. Last evaluated: 2018-11-10. Review status: criteria provided, single submitter. Criteria: GeneDx Variant Classification Process June 2021. Collection method: clinical testing. Allele origin: germline. Affected: yes.

Illumina Laboratory Services, Illumina
Classification: Benign for 3M syndrome 1. Last evaluated: 2018-01-13. Review status: criteria provided, single submitter. Criteria: ICSL Variant Classification Criteria 13 December 2019. Collection method: clinical testing. Allele origin: germline.
Comment: This variant was observed in the ICSL laboratory as part of a predisposition screen in an ostensibly healthy population. It had not been previously curated by ICSL or reported in the Human Gene Mutation Database (HGMD: prior to June 1st, 2018), and was therefore a candidate for classification through an automated scoring system. Utilizing variant allele frequency, disease prevalence and penetrance estimates, and inheritance mode, an automated score was calculated to assess if this variant is too frequent to cause the disease. Based on the score and internal cut-off values, a variant classified as benign is not then subjected to further curation. The score for this variant resulted in a classification of benign for this disease.

PreventionGenetics, part of Exact Sciences
Classification: Benign. Review status: criteria provided, single submitter. Criteria: ACMG Guidelines, 2015. Collection method: clinical testing. Allele origin: germline.

Diagnostic Laboratory, Department of Genetics, University Medical Center Groningen
Classification: Benign. Review status: no assertion criteria provided. Collection method: clinical testing. Allele origin: germline. Affected: yes. Study: VKGL Data-share Consensus. Not counted in ClinVar's aggregate classification.

Joint Genome Diagnostic Labs from Nijmegen and Maastricht, Radboudumc and MUMC+
Classification: Benign. Review status: no assertion criteria provided. Collection method: clinical testing. Allele origin: germline. Affected: yes. Study: VKGL Data-share Consensus. Not counted in ClinVar's aggregate classification.